The following is an entry in ClinVar:

NM_000383.4(AIRE):c.1034_1036delinsA (p.Val345fs)

Gene: AIRE (autoimmune regulator; plus strand). Cytogenetic location: 21q22.3.
Variant type: Indel.
Coding change: c.1034_1036delinsA on transcript NM_000383.4 (MANE Select); coding-DNA positions 1034 to 1036, TCC replaced by A.
Protein change: p.Val345fs; shifts the reading frame from valine 345.
Molecular consequence: frameshift variant.
Genome position (GRCh38, 1-based): chr21:44,292,340-44,292,342, TCC replaced by A. VCF-style: chr21-44292340-TCC-A. GRCh37 (hg19) VCF-style: chr21-45712223-TCC-A.
Other names: short protein forms V345fs.
Identifiers: ClinVar variation 1726559 (VCV001726559.2), dbSNP rs2517883456, ClinGen allele CA2580098812.

ClinVar aggregate classification (germline): Likely pathogenic (1 of 4 stars; one submission).

Conditions:
Polyglandular autoimmune syndrome, type 1 (APS1). Also called: PGA I; Autoimmune polyendocrine syndrome type 1; AUTOIMMUNE POLYENDOCRINE SYNDROME, TYPE I, WITH OR WITHOUT REVERSIBLE METAPHYSEAL DYSPLASIA; APS I; Autoimmune polyendocrinopathy syndrome, type I; HYPOADRENOCORTICISM WITH HYPOPARATHYROIDISM AND SUPERFICIAL MONILIASIS. Identifiers: Orphanet 3453, MedGen C0085859, MONDO:0009411, OMIM 240300.

Submission:

Myriad Genetics, Inc.
Classification: Likely pathogenic for Polyglandular autoimmune syndrome, type 1. Last evaluated: 2021-12-21. Review status: criteria provided, single submitter. Criteria: Myriad Women's Health Autosomal Recessive and X-Linked Classification Criteria (2021). Collection method: clinical testing. Allele origin: unknown.
Comment: NM_000383.3(AIRE):c.1034_1036delTCCinsA(V345Efs*26) is expected to be pathogenic in the context of autoimmune polyglandular syndrome type 1. This variant is predicted to lead to an abnormal or absent protein product due to the creation of a premature termination codon in AIRE, a gene where loss-of-function variants are known to be pathogenic. Please note: this variant was assessed in the context of healthy population screening.